The following is an entry in ClinVar:

NM_001035.3(RYR2):c.13640T>C (p.Leu4547Pro)

Gene: RYR2 (ryanodine receptor 2; plus strand). Cytogenetic location: 1q43.
Variant type: single nucleotide variant.
Coding change: c.13640T>C on transcript NM_001035.3 (MANE Select); coding-DNA position 13640, T replaced by C.
Protein change: p.Leu4547Pro; replaces leucine 4547 with proline.
Molecular consequence: missense variant.
Genome position (GRCh38, 1-based): chr1:237,792,181, T>C. VCF-style: chr1-237792181-T-C. GRCh37 (hg19) VCF-style: chr1-237955481-T-C.
Other names: short protein forms L4547P.
Identifiers: ClinVar variation 1172244 (VCV001172244.3), dbSNP rs2149381328, ClinGen allele CA345417414.

ClinVar aggregate classification (germline): Uncertain significance (1 of 4 stars; one submission).

Conditions:
Cardiomyopathy (CMYO). Also called: Cardiomyopathies. Identifiers: Orphanet 167848, MedGen C0878544, MONDO:0004994, HP:0001638. Inheritance: Various modes of inheritance.

Submission:

Color Diagnostics, LLC DBA Color Health
Classification: Uncertain significance for Cardiomyopathy. Last evaluated: 2024-03-06. Review status: criteria provided, single submitter. Criteria: ACMG Guidelines, 2015. Collection method: clinical testing. Allele origin: germline.
Comment: This missense variant replaces leucine with proline at codon 4547 of the RYR2 protein. Computational prediction suggests that this variant may not impact protein structure and function (internally defined REVEL score threshold <= 0.5, PMID: 27666373). To our knowledge, functional studies have not been reported for this variant. This variant has not been reported in individuals affected with cardiovascular disorders in the literature. This variant has not been identified in the general population by the Genome Aggregation Database (gnomAD). The available evidence is insufficient to determine the role of this variant in disease conclusively. Therefore, this variant is classified as a Variant of Uncertain Significance.